The following is an entry in ClinVar:

ClinVar aggregate classification (germline): Likely benign. Review status: criteria provided, multiple submitters, no conflicts (2 of 4 stars). 3 submissions from 3 submitters: Likely benign (3). Last evaluated 2026-05-07.

Conditions:
TTN-related disorder. Also called: TTN-related disorders; TTN-related condition; TTN-related disease.

Allele frequency attached by ClinVar (database versions not stated): TOPMed 0.00010; ESP Exome Variant Server 0.00017; gnomAD 0.00022 and 0.00024; gnomAD exomes 0.00030 and 0.00046; ExAC 0.00074.
gnomAD v4.1: 482 of 1,611,096 alleles (0.03%); highest among the groups gnomAD compares: Non-Finnish European, 0.026%; no homozygotes.

Submissions (3):

PreventionGenetics, part of Exact Sciences
Classification: Likely benign for TTN-related condition. Last evaluated: 2026-05-07. Review status: criteria provided, single submitter. Criteria: ACMG Guidelines, 2015. Collection method: clinical testing. Allele origin: germline.
Comment: This variant is classified as likely benign based on ACMG/AMP sequence variant interpretation guidelines (Richards et al. 2015 PMID: 25741868, with internal and published modifications).

Blueprint Genetics
Classification: Likely benign. Last evaluated: 2024-09-13. Review status: criteria provided, single submitter. Criteria: ACMG Guidelines, 2015. Collection method: clinical testing. Allele origin: germline.

GeneDx
Classification: Likely benign. Last evaluated: 2021-04-17. Review status: criteria provided, single submitter. Criteria: GeneDx Variant Classification Process June 2021. Collection method: clinical testing. Allele origin: germline. Affected: yes.
Comment: Has not been previously published as pathogenic or benign to our knowledge

NM_001267550.2(TTN):c.36088T>G (p.Ser12030Ala)

Gene: TTN (titin; minus strand). Cytogenetic location: 2q31.2.
Variant type: single nucleotide variant.
Coding change: c.36088T>G on transcript NM_001267550.2 (MANE Select); coding-DNA position 36088, T replaced by G.
Protein change: p.Ser12030Ala; replaces serine 12030 with alanine.
Molecular consequence: missense variant. On other transcripts: intron variant (5).
Genome position (GRCh38, 1-based): chr2:178,664,882, A>C on the plus strand (T>G on the coding strand, the complement: TTN is on the minus strand). VCF-style: chr2-178664882-A-C. GRCh37 (hg19) VCF-style: chr2-179529609-A-C.
Other names: c.13283-22565T>G (NM_003319.4); c.13859-22565T>G (NM_133437.4); c.13658-22565T>G (NM_133432.3); c.31484-1827T>G (NM_133378.4); c.34265-1827T>G (NM_001256850.1); short protein forms S12030A.
Identifiers: ClinVar variation 1326251 (VCV001326251.4), dbSNP rs369936167, ClinGen allele CA1997664.